The following is an entry in ClinVar:

NM_004168.4(SDHA):c.138del (p.Val47fs)

Gene: SDHA (succinate dehydrogenase complex flavoprotein subunit A; plus strand). Cytogenetic location: 5p15.33.
Variant type: Deletion.
Coding change: c.138del on transcript NM_004168.4 (MANE Select); coding-DNA position 138, one base deleted (A; older notation c.138delA).
Protein change: p.Val47fs; shifts the reading frame from valine 47.
Molecular consequence: frameshift variant.
Genome position (GRCh38, 1-based): chr5:223,556, A deleted; the last of 3 consecutive A bases (chr5:223,554-223,556); deleting any one gives the same sequence. VCF-style (leftmost placement, unchanged base first): chr5-223553-TA-T. GRCh37 (hg19) VCF-style: chr5-223668-TA-T.
Other names: c.138del, p.Val47fs (NM_001294332.2, NM_001330758.2); short protein forms V47fs.
Identifiers: ClinVar variation 3316849 (VCV003316849.4).

ClinVar aggregate classification (germline): Pathogenic/Likely pathogenic. Review status: criteria provided, multiple submitters, no conflicts (2 of 4 stars). 3 submissions from 3 submitters: Pathogenic (2); Likely pathogenic (1). Last evaluated 2025-03-06.

Conditions:
SDHA-related disorder. Also called: SDHA-related condition; SDHA-related disorders.
Hereditary cancer-predisposing syndrome. Also called: Tumor predisposition; Hereditary Cancer Syndrome; Hereditary neoplastic syndrome; Neoplastic Syndromes, Hereditary. Identifiers: Orphanet 140162, MedGen C0027672, MeSH D009386, MONDO:0015356.
Mitochondrial complex II deficiency, nuclear type 1. Also called: SUCCINATE CoQ REDUCTASE DEFICIENCY. Identifiers: Orphanet 3208, MedGen C5700310, MONDO:0100294, OMIM 252011.
Pheochromocytoma/paraganglioma syndrome 5. Also called: Paragangliomas 5; SDHA-Related Hereditary Paraganglioma-Pheochromocytoma Syndrome. Identifiers: Orphanet 29072, MedGen C3279992, MONDO:0013602, OMIM 614165.

Submissions (3):

Labcorp Genetics (formerly Invitae), Labcorp
Classification: Pathogenic for Pheochromocytoma/paraganglioma syndrome 5; Mitochondrial complex II deficiency, nuclear type 1. Last evaluated: 2025-03-06. Review status: criteria provided, single submitter. Criteria: Invitae Variant Classification Sherloc (09022015). Collection method: clinical testing. Allele origin: germline.
Comment: This sequence change creates a premature translational stop signal (p.Val47Phefs*11) in the SDHA gene. It is expected to result in an absent or disrupted protein product. Loss-of-function variants in SDHA are known to be pathogenic (PMID: 22974104, 24781757). This variant is not present in population databases (gnomAD no frequency). This variant has not been reported in the literature in individuals affected with SDHA-related conditions. ClinVar contains an entry for this variant (Variation ID: 3316849). For these reasons, this variant has been classified as Pathogenic.

Ambry Genetics
Classification: Pathogenic for Hereditary cancer-predisposing syndrome. Last evaluated: 2024-05-10. Review status: criteria provided, single submitter. Criteria: Ambry Variant Classification Scheme 2023. Collection method: clinical testing. Allele origin: germline.
Comment: The c.138delA pathogenic mutation, located in coding exon 2 of the SDHA gene, results from a deletion of one nucleotide at nucleotide position 138, causing a translational frameshift with a predicted alternate stop codon (p.V47Ffs*11). This alteration is expected to result in loss of function by premature protein truncation or nonsense-mediated mRNA decay. This variant is considered to be rare based on population cohorts in the Genome Aggregation Database (gnomAD). As such, this alteration is interpreted as a disease-causing mutation.

Blueprint Genetics
Classification: Likely pathogenic for SDHA-related disorders. Last evaluated: 2023-12-12. Review status: criteria provided, single submitter. Criteria: ACMG Guidelines, 2015. Collection method: clinical testing. Allele origin: germline. Affected: yes. Observed: 1 variant allele.

Literature cited by the submitters: PubMed 22974104 (cited by Labcorp Genetics (formerly Invitae), Labcorp); PubMed 24781757 (cited by Labcorp Genetics (formerly Invitae), Labcorp).